The following is an entry in ClinVar:

ClinVar aggregate classification (germline): Likely pathogenic. Review status: criteria provided, single submitter (1 of 4 stars). 2 submissions from 2 submitters: Likely pathogenic (1). 1 of the submissions does not count toward it. Last evaluated 2021-05-12.

Conditions:
KCNQ1-related disorder. Also called: KCNQ1-related condition; KCNQ1-related disorders. Identifiers: MedGen CN239322.
Familial long QT syndrome (RWS). Also called: Congenital long QT syndrome; Romano-Ward syndrome; VENTRICULAR FIBRILLATION WITH PROLONGED QT INTERVAL. Identifiers: Orphanet 768, MedGen C1141890, MONDO:0019171.

Submissions (2):

Blueprint Genetics
Classification: Likely pathogenic for KCNQ1-related disorders. Last evaluated: 2021-05-12. Review status: criteria provided, single submitter. Criteria: ACMG Guidelines, 2015. Collection method: clinical testing. Allele origin: germline. Affected: yes. Observed: 2 variant alleles.

Cardiovascular Biomedical Research Unit, Royal Brompton & Harefield NHS Foundation Trust
No classification provided. Condition: Familial long QT syndrome. Review status: no classification provided. Collection method: literature only. Allele origin: germline. Not counted in ClinVar's aggregate classification.
Comment: This variant has been reported as associated with Long QT syndrome in the following publications (PMID:15028050;PMID:15234419;PMID:17470695). This is a literature report, and does not necessarily reflect the clinical interpretation of the Imperial College / Royal Brompton Cardiovascular Genetics laboratory.

Literature cited by the submitters: PubMed 15028050 (cited by Cardiovascular Biomedical Research Unit, Royal Brompton & Harefield NHS Foundation Trust); PubMed 15234419 (cited by Cardiovascular Biomedical Research Unit, Royal Brompton & Harefield NHS Foundation Trust); PubMed 17470695 (cited by Cardiovascular Biomedical Research Unit, Royal Brompton & Harefield NHS Foundation Trust); PubMed 22581653 (cited by Cardiovascular Biomedical Research Unit, Royal Brompton & Harefield NHS Foundation Trust).

NM_000218.3(KCNQ1):c.1550T>C (p.Ile517Thr)

Gene: KCNQ1 (potassium voltage-gated channel subfamily Q member 1; plus strand). Cytogenetic location: 11p15.5.
Variant type: single nucleotide variant.
Coding change: c.1550T>C on transcript NM_000218.3 (MANE Select); coding-DNA position 1550, T replaced by C.
Protein change: p.Ile517Thr; replaces isoleucine 517 with threonine.
Molecular consequence: missense variant.
Genome position (GRCh38, 1-based): chr11:2,768,879, T>C. VCF-style: chr11-2768879-T-C. GRCh37 (hg19) VCF-style: chr11-2790109-T-C.
Other names: c.1550T>C (LRG_287t1); c.1454T>C, p.Ile485Thr (NM_001406836.1); c.1280T>C, p.Ile427Thr (NM_001406837.1); c.1010T>C, p.Ile337Thr (NM_001406838.1); c.1169T>C, p.Ile390Thr (NM_181798.2); short protein forms I517T, I390T, I337T, I485T, I427T.
Identifiers: ClinVar variation 67035 (VCV000067035.4), dbSNP rs199473478, ClinGen allele CA005886.
Genomic context (GRCh38, chr11:2,768,879, plus strand): 5'-ATCTCCTCTCCTCTCTCCACTGCAGGCTGCGGGAACACCATCGGGCCACCATTAAGGTCA[T>C]TCGACGCATGCAGTACTTTGTGGCCAAGAAGAAATTCCAGGTAAGCCCTGTGCTGAGCCT-3'
Protein context (NP_000209.2, residues 507-527): REHHRATIKV[Ile517Thr]RRMQYFVAKK